The following is an entry in ClinVar:

NM_057175.5(NAA15):c.260G>A (p.Gly87Asp)

Gene: NAA15 (N-alpha-acetyltransferase 15, NatA auxiliary subunit; plus strand). Cytogenetic location: 4q31.1.
Variant type: single nucleotide variant.
Coding change: c.260G>A on transcript NM_057175.5 (MANE Select); coding-DNA position 260, G replaced by A.
Protein change: p.Gly87Asp; replaces glycine 87 with aspartic acid.
Molecular consequence: missense variant.
Genome position (GRCh38, 1-based): chr4:139,340,927, G>A. VCF-style: chr4-139340927-G-A. GRCh37 (hg19) VCF-style: chr4-140262081-G-A.
Other names: c.260G>A, p.Gly87Asp (NM_001410842.1, NM_025085.2); short protein forms G87D.
Identifiers: ClinVar variation 2788727 (VCV002788727.3), dbSNP rs1747363932, ClinGen allele CA358259558.

ClinVar aggregate classification (germline): Uncertain significance (1 of 4 stars; one submission).

Allele frequency attached by ClinVar (database versions not stated): TOPMed below 0.00001.

Submission:

Labcorp Genetics (formerly Invitae), Labcorp
Classification: Uncertain significance. Last evaluated: 2024-01-12. Review status: criteria provided, single submitter. Criteria: Invitae Variant Classification Sherloc (09022015). Collection method: clinical testing. Allele origin: germline.
Comment: This sequence change replaces glycine, which is neutral and non-polar, with aspartic acid, which is acidic and polar, at codon 87 of the NAA15 protein (p.Gly87Asp). This variant is not present in population databases (gnomAD no frequency). This variant has not been reported in the literature in individuals affected with NAA15-related conditions. An algorithm developed to predict the effect of missense changes on protein structure and function (PolyPhen-2) suggests that this variant is likely to be disruptive. In summary, the available evidence is currently insufficient to determine the role of this variant in disease. Therefore, it has been classified as a Variant of Uncertain Significance.